The following is an entry in ClinVar:

ClinVar aggregate classification (germline): Uncertain significance. Review status: criteria provided, multiple submitters, no conflicts (2 of 4 stars). 3 submissions from 3 submitters: Uncertain significance (2). 1 of the submissions does not count toward it. Last evaluated 2023-04-05.

Conditions:
Intellectual disability. Also called: intellectual disabilities; Intellectual developmental disorder; Intellectual functioning disability. Identifiers: MedGen C3714756, MeSH D008607, MONDO:0001071, HP:0001249.
Maple syrup urine disease (MSUD). Identifiers: Orphanet 511, MedGen C0024776, MeSH D008375, MONDO:0009563. Disease mechanism: loss of function.

Allele frequency attached by ClinVar (database versions not stated): gnomAD 0.00001; TOPMed below 0.00001; gnomAD exomes below 0.00001 and 0.00001.
gnomAD v4.1: 6 of 1,613,934 alleles (0.00037%); highest among the groups gnomAD compares: Admixed American, 0.0017%; no homozygotes.

Submissions (3):

Labcorp Genetics (formerly Invitae), Labcorp
Classification: Uncertain significance for Maple syrup urine disease. Last evaluated: 2023-04-05. Review status: criteria provided, single submitter. Criteria: Invitae Variant Classification Sherloc (09022015). Collection method: clinical testing. Allele origin: germline.
Comment: This sequence change replaces arginine, which is basic and polar, with glutamine, which is neutral and polar, at codon 315 of the BCKDHA protein (p.Arg315Gln). This variant is present in population databases (rs201109190, gnomAD 0.003%). This variant has not been reported in the literature in individuals affected with BCKDHA-related conditions. ClinVar contains an entry for this variant (Variation ID: 973118). Advanced modeling of protein sequence and biophysical properties (such as structural, functional, and spatial information, amino acid conservation, physicochemical variation, residue mobility, and thermodynamic stability) has been performed at Invitae for this missense variant, however the output from this modeling did not meet the statistical confidence thresholds required to predict the impact of this variant on BCKDHA protein function. In summary, the available evidence is currently insufficient to determine the role of this variant in disease. Therefore, it has been classified as a Variant of Uncertain Significance.

Fulgent Genetics
Classification: Uncertain significance for Maple syrup urine disease type 1A. Last evaluated: 2022-04-15. Review status: criteria provided, single submitter. Criteria: ACMG Guidelines, 2015. Collection method: clinical testing. Allele origin: unknown.

Diagnostic Laboratory, Strasbourg University Hospital
Classification: Uncertain significance for Intellectual disability. Last evaluated: 2017-12-01. Review status: no assertion criteria provided. Collection method: clinical testing. Allele origin: inherited. Affected: yes. Observed: 1 homozygote. Not counted in ClinVar's aggregate classification.
Comment: MOI : AR. Notion of inbreeding. . Missense

NM_000709.4(BCKDHA):c.944G>A (p.Arg315Gln)

Gene: BCKDHA (branched chain keto acid dehydrogenase E1 subunit alpha; plus strand). Cytogenetic location: 19q13.2.
Variant type: single nucleotide variant.
Coding change: c.944G>A on transcript NM_000709.4 (MANE Select); coding-DNA position 944, G replaced by A.
Protein change: p.Arg315Gln; replaces arginine 315 with glutamine.
Molecular consequence: missense variant.
Genome position (GRCh38, 1-based): chr19:41,422,719, G>A. VCF-style: chr19-41422719-G-A. GRCh37 (hg19) VCF-style: chr19-41928624-G-A.
Other names: c.941G>A, p.Arg314Gln (NM_001164783.2); short protein forms R314Q, R315Q.
Identifiers: ClinVar variation 973118 (VCV000973118.7), dbSNP rs201109190, ClinGen allele CA308524844.
Genomic context (GRCh38, chr19:41,422,719, plus strand): 5'-CAATCCGCGTGGATGGTAATGATGTGTTTGCCGTATACAACGCCACAAAGGAGGCCCGAC[G>A]GCGGGCTGTGGCAGAGAACCAGCCCTTCCTCATCGAGGCCATGACCTACAGGTGCCTGCC-3'
Protein context (NP_000700.1, residues 305-325): AVYNATKEAR[Arg315Gln]RAVAENQPFL